The following is an entry in ClinVar:

ClinVar aggregate classification (germline): Uncertain significance (1 of 4 stars; one submission).

Conditions:
UDPglucose-4-epimerase deficiency. Also called: Epimerase Deficiency Galactosemia; UDP-GALACTOSE-4-EPIMERASE DEFICIENCY; Galactose epimerase deficiency; UDPglucose 4-Epimerase Deficiency Disease; GALACTOSEMIA III; GALE DEFICIENCY. Identifiers: Orphanet 352, Orphanet 79238, MedGen C0751161, MONDO:0009257, OMIM 230350.

Submission:

Labcorp Genetics (formerly Invitae), Labcorp
Classification: Uncertain significance for UDPglucose-4-epimerase deficiency. Last evaluated: 2019-02-12. Review status: criteria provided, single submitter. Criteria: Invitae Variant Classification Sherloc (09022015). Collection method: clinical testing. Allele origin: germline.
Comment: In summary, the available evidence is currently insufficient to determine the role of this variant in disease. Therefore, it has been classified as a Variant of Uncertain Significance. Algorithms developed to predict the effect of missense changes on protein structure and function are either unavailable or do not agree on the potential impact of this missense change (SIFT: "Deleterious"; PolyPhen-2: "Probably Damaging"; Align-GVGD: "Class C0"). This variant is not present in population databases (ExAC no frequency). This sequence change replaces phenylalanine with cysteine at codon 163 of the GALE protein (p.Phe163Cys). The phenylalanine residue is moderately conserved and there is a large physicochemical difference between phenylalanine and cysteine.

NM_001008216.2(GALE):c.488T>G (p.Phe163Cys)

Gene: GALE (UDP-galactose-4-epimerase; minus strand). Cytogenetic location: 1p36.11.
Variant type: single nucleotide variant.
Coding change: c.488T>G on transcript NM_001008216.2 (MANE Select); coding-DNA position 488, T replaced by G.
Protein change: p.Phe163Cys; replaces phenylalanine 163 with cysteine.
Molecular consequence: missense variant.
Genome position (GRCh38, 1-based): chr1:23,797,735, A>C on the plus strand (T>G on the coding strand, the complement: GALE is on the minus strand). VCF-style: chr1-23797735-A-C. GRCh37 (hg19) VCF-style: chr1-24124225-A-C.
Other names: c.488T>G, p.Phe163Cys (NM_000403.4, NM_001127621.2); short protein forms F163C.
Identifiers: ClinVar variation 656130 (VCV000656130.11), dbSNP rs1570632874, ClinGen allele CA339010336.